The following is an entry in ClinVar:

ClinVar aggregate classification (germline): Uncertain significance (1 of 4 stars; one submission).

Conditions:
Emery-Dreifuss muscular dystrophy 4, autosomal dominant (EDMD4). Also called: EMERY-DREIFUSS MUSCULAR DYSTROPHY 4 WITH VARIABLE FEATURES. Identifiers: Orphanet 261, MedGen C2751807, MONDO:0013071, OMIM 612998.
Autosomal recessive ataxia, Beauce type. Also called: Spinocerebellar ataxia, autosomal recessive 8; ATAXIA, RECESSIVE, OF BEAUCE; SYNE1-Related Autosomal Recessive Cerebellar Ataxia; SYNE1 Deficiency. Identifiers: Orphanet 88644, MedGen C1853116, MONDO:0012549, OMIM 610743.

Allele frequency attached by ClinVar (database versions not stated): gnomAD 0.00001; TOPMed 0.00002.
gnomAD v4.1: 5 of 1,613,958 alleles (0.00031%); highest among the groups gnomAD compares: African/African-American, 0.0067%; no homozygotes.

Submission:

Labcorp Genetics (formerly Invitae), Labcorp
Classification: Uncertain significance for Emery-Dreifuss muscular dystrophy 4, autosomal dominant; Autosomal recessive ataxia, Beauce type. Last evaluated: 2023-07-25. Review status: criteria provided, single submitter. Criteria: Invitae Variant Classification Sherloc (09022015). Collection method: clinical testing. Allele origin: germline.
Comment: This variant is present in population databases (no rsID available, gnomAD 0.007%). In summary, the available evidence is currently insufficient to determine the role of this variant in disease. Therefore, it has been classified as a Variant of Uncertain Significance. Algorithms developed to predict the effect of sequence changes on RNA splicing suggest that this variant may disrupt the consensus splice site. Algorithms developed to predict the effect of missense changes on protein structure and function output the following: SIFT: "Not Available"; PolyPhen-2: "Benign"; Align-GVGD: "Not Available". The leucine amino acid residue is found in multiple mammalian species, which suggests that this missense change does not adversely affect protein function. This variant has not been reported in the literature in individuals affected with SYNE1-related conditions. This sequence change replaces serine, which is neutral and polar, with leucine, which is neutral and non-polar, at codon 5072 of the SYNE1 protein (p.Ser5072Leu).

NM_182961.4(SYNE1):c.15428C>T (p.Ser5143Leu)

Gene: SYNE1 (spectrin repeat containing nuclear envelope protein 1; minus strand). Cytogenetic location: 6q25.2.
Variant type: single nucleotide variant.
Coding change: c.15428C>T on transcript NM_182961.4 (MANE Select); coding-DNA position 15428, C replaced by T.
Protein change: p.Ser5143Leu; replaces serine 5143 with leucine.
Molecular consequence: missense variant.
Genome position (GRCh38, 1-based): chr6:152,325,968, G>A on the plus strand (C>T on the coding strand, the complement: SYNE1 is on the minus strand). VCF-style: chr6-152325968-G-A. GRCh37 (hg19) VCF-style: chr6-152647103-G-A.
Other names: c.15215C>T, p.Ser5072Leu (NM_033071.5); short protein forms S5072L, S5143L.
Identifiers: ClinVar variation 2947515 (VCV002947515.3), dbSNP rs1175094169, ClinGen allele CA366092319.